The following is an entry in ClinVar:

NM_033004.4(NLRP1):c.3217T>G (p.Leu1073Val)

Gene: NLRP1 (NLR family pyrin domain containing 1; minus strand). Cytogenetic location: 17p13.2.
Variant type: single nucleotide variant.
Coding change: c.3217T>G on transcript NM_033004.4 (MANE Select); coding-DNA position 3217, T replaced by G.
Protein change: p.Leu1073Val; replaces leucine 1073 with valine.
Molecular consequence: missense variant.
Genome position (GRCh38, 1-based): chr17:5,532,901, A>C on the plus strand (T>G on the coding strand, the complement: NLRP1 is on the minus strand). VCF-style: chr17-5532901-A-C. GRCh37 (hg19) VCF-style: chr17-5436221-A-C.
Other names: c.3229T>G, p.Leu1077Val (NM_001033053.3); c.3217T>G, p.Leu1073Val (NM_014922.5); c.3127T>G, p.Leu1043Val (NM_033006.4, NM_033007.4); short protein forms L1077V, L1043V, L1073V.
Identifiers: ClinVar variation 2593340 (VCV002593340.4), dbSNP rs367794265, ClinGen allele CA8326895.

ClinVar aggregate classification (germline): Uncertain significance. Review status: criteria provided, multiple submitters, no conflicts (2 of 4 stars). 2 submissions from 2 submitters: Uncertain significance (2). Last evaluated 2025-01-06.

Conditions:
Inborn genetic diseases. Identifiers: MedGen C0950123, MeSH D030342.

Allele frequency attached by ClinVar (database versions not stated): gnomAD exomes below 0.00001; gnomAD 0.00003; ESP Exome Variant Server 0.00008; TOPMed 0.00008.
gnomAD v4.1: 9 of 1,613,916 alleles (0.00056%); highest among the groups gnomAD compares: African/African-American, 0.011%; no homozygotes.

Submissions (2):

Labcorp Genetics (formerly Invitae), Labcorp
Classification: Uncertain significance. Last evaluated: 2025-01-06. Review status: criteria provided, single submitter. Criteria: Invitae Variant Classification Sherloc (09022015). Collection method: clinical testing. Allele origin: germline.
Comment: This sequence change replaces leucine, which is neutral and non-polar, with valine, which is neutral and non-polar, at codon 1073 of the NLRP1 protein (p.Leu1073Val). This variant is present in population databases (rs367794265, gnomAD 0.02%). This variant has not been reported in the literature in individuals affected with NLRP1-related conditions. ClinVar contains an entry for this variant (Variation ID: 2593340). An algorithm developed to predict the effect of missense changes on protein structure and function (PolyPhen-2) suggests that this variant is likely to be disruptive. In summary, the available evidence is currently insufficient to determine the role of this variant in disease. Therefore, it has been classified as a Variant of Uncertain Significance.

Ambry Genetics
Classification: Uncertain significance for Inborn genetic diseases. Last evaluated: 2023-08-21. Review status: criteria provided, single submitter. Criteria: Ambry Variant Classification Scheme 2023. Collection method: clinical testing. Allele origin: germline.